The following is an entry in ClinVar:

ClinVar aggregate classification (germline): Likely pathogenic (1 of 4 stars; one submission).

Conditions:
Autoimmune enteropathy and endocrinopathy - susceptibility to chronic infections syndrome. Also called: Immunodeficiency 31C, autosomal dominant; Immunodeficiency 31C. Identifiers: Orphanet 391487, MedGen C3279990, MONDO:0013599, OMIM 614162.

Submission:

Neuberg Centre For Genomic Medicine, NCGM
Classification: Likely pathogenic for Autoimmune enteropathy and endocrinopathy - susceptibility to chronic infections syndrome. Last evaluated: 2023-06-22. Review status: criteria provided, single submitter. Criteria: ACMG Guidelines, 2015. Collection method: clinical testing. Allele origin: germline. Inheritance: Autosomal dominant inheritance. Affected: yes.
Comment: The novel (N179K) STAT1 mutation was shown to have gain-of-function (GOF) for γ-activated factor (GAF)-dependent cellular responses (Soltész et al., 2013). This variant is absent in the gnomAD Exomes. The amino acid Asn at position 179 is changed to a Lys changing protein sequence and it might alter its composition and physico-chemical properties. Computational evidence (Polyphen, SIFT and MutationTaster) predicts conflicting evidence on protein structure and function for this variant. The amino acid change p.Asn179Lys in STAT1 is predicted as conserved by GERP++. However study on multiple affected individuals and additional functional studies is required to prove the pathogenicity of the variant. For these reasons, this variant has been classified as Likely Pathogenic.

NM_007315.4(STAT1):c.537C>G (p.Asn179Lys)

Gene: STAT1 (signal transducer and activator of transcription 1; minus strand). Cytogenetic location: 2q32.2.
Variant type: single nucleotide variant.
Coding change: c.537C>G on transcript NM_007315.4 (MANE Select); coding-DNA position 537, C replaced by G.
Protein change: p.Asn179Lys; replaces asparagine 179 with lysine.
Molecular consequence: missense variant.
Genome position (GRCh38, 1-based): chr2:190,999,630, G>C on the plus strand (C>G on the coding strand, the complement: STAT1 is on the minus strand). VCF-style: chr2-190999630-G-C. GRCh37 (hg19) VCF-style: chr2-191864356-G-C.
Other names: c.537C>G, p.Asn179Lys (NM_001384880.1, NM_001384882.1, NM_001384885.1 and 5 more transcripts); c.543C>G, p.Asn181Lys (NM_001384881.1, NM_001384884.1); c.530C>G, p.Thr177Arg (NM_001384883.1); c.447C>G, p.Asn149Lys (NM_001384890.1); c.573C>G, p.Asn191Lys (NM_001384891.1); short protein forms N149K, N179K, N181K, N191K, T177R.
Identifiers: ClinVar variation 3731323 (VCV003731323.1).